The following is an entry in ClinVar:

NM_003579.4(RAD54L):c.803C>A (p.Ser268Tyr)

Gene: RAD54L (RAD54 like; plus strand). Cytogenetic location: 1p34.1.
Variant type: single nucleotide variant.
Coding change: c.803C>A on transcript NM_003579.4 (MANE Select); coding-DNA position 803, C replaced by A.
Protein change: p.Ser268Tyr; replaces serine 268 with tyrosine.
Molecular consequence: missense variant.
Genome position (GRCh38, 1-based): chr1:46,261,297, C>A. VCF-style: chr1-46261297-C-A. GRCh37 (hg19) VCF-style: chr1-46726969-C-A.
Other names: c.803C>A, p.Ser268Tyr (NM_001142548.2); c.263C>A, p.Ser88Tyr (NM_001370766.1); short protein forms S268Y, S88Y.
Identifiers: ClinVar variation 3223463 (VCV003223463.1), dbSNP rs2148289250, ClinGen allele CA340188733.

ClinVar aggregate classification (germline): Uncertain significance (1 of 4 stars; one submission).

Submission:

Ambry Genetics
Classification: Uncertain significance. Last evaluated: 2023-11-08. Review status: criteria provided, single submitter. Criteria: Ambry Variant Classification Scheme 2023. Collection method: clinical testing. Allele origin: germline.
Comment: The p.S268Y variant (also known as c.803C>A), located in coding exon 8 of the RAD54L gene, results from a C to A substitution at nucleotide position 803. The serine at codon 268 is replaced by tyrosine, an amino acid with dissimilar properties. This amino acid position is conserved. In addition, the in silico prediction for this alteration is inconclusive. Since supporting evidence is limited at this time, the clinical significance of this alteration remains unclear.